The following is an entry in ClinVar:

NM_001013838.3(CARMIL2):c.3650_3663dup (p.Val1222delinsCysArgGlyTer)

Gene: CARMIL2 (capping protein regulator and myosin 1 linker 2; plus strand). Cytogenetic location: 16q22.1.
Variant type: Duplication.
Coding change: c.3650_3663dup on transcript NM_001013838.3 (MANE Select); coding-DNA positions 3650 to 3663, 14 bases duplicated (TGCAGAGGATAGGC).
Protein change: p.Val1222delinsCysArgGlyTer.
Molecular consequence: nonsense.
Genome position (GRCh38, 1-based): chr16:67,654,845-67,654,858, TGCAGAGGATAGGC duplicated; duplicating any 14 consecutive bases within chr16:67,654,843-67,654,858 gives the same sequence; the c. name uses the placement nearest the transcript's 3' end. VCF-style (leftmost placement, unchanged base first): chr16-67654842-T-TGCTGCAGAGGATAG. GRCh37 (hg19) VCF-style: chr16-67688745-T-TGCTGCAGAGGATAG.
Other names: c.3542_3555dup, p.Val1186delinsCysArgGlyTer (NM_001317026.3).
Identifiers: ClinVar variation 1361069 (VCV001361069.6), dbSNP rs2142950251, ClinGen allele CA2573152555.

ClinVar aggregate classification (germline): Pathogenic (1 of 4 stars; one submission).

Submission:

Labcorp Genetics (formerly Invitae), Labcorp
Classification: Pathogenic. Last evaluated: 2021-04-11. Review status: criteria provided, single submitter. Criteria: Invitae Variant Classification Sherloc (09022015). Collection method: clinical testing. Allele origin: germline.
Comment: This sequence change creates a premature translational stop signal (p.Val1222Cysfs*4) in the CARMIL2 gene. It is expected to result in an absent or disrupted protein product. Loss-of-function variants in CARMIL2 are known to be pathogenic (PMID: 27647349, 28112205). This variant is not present in population databases (ExAC no frequency). This variant has not been reported in the literature in individuals with CARMIL2-related conditions. For these reasons, this variant has been classified as Pathogenic.

Literature cited by the submitters: PubMed 27647349; PubMed 28112205.